The following is an entry in ClinVar:

NM_194454.3(KRIT1):c.1400C>G (p.Ser467Ter)

Gene: KRIT1 (KRIT1 ankyrin repeat containing; minus strand). Cytogenetic location: 7q21.2.
Variant type: single nucleotide variant.
Coding change: c.1400C>G on transcript NM_194454.3 (MANE Select); coding-DNA position 1400, C replaced by G.
Protein change: p.Ser467Ter; replaces serine 467 with a stop codon.
Molecular consequence: nonsense.
Genome position (GRCh38, 1-based): chr7:92,222,833, G>C on the plus strand (C>G on the coding strand, the complement: KRIT1 is on the minus strand). VCF-style: chr7-92222833-G-C. GRCh37 (hg19) VCF-style: chr7-91852147-G-C.
Other names: c.1256C>G, p.Ser419Ter (NM_001013406.2, NM_001350669.1, NM_001350670.1); c.686C>G, p.Ser229Ter (NM_001350671.1); c.1400C>G, p.Ser467Ter (NM_001350672.1, NM_001350673.1, NM_001350674.1 and 26 more transcripts); short protein forms S419*, S467*, S229*.
Identifiers: ClinVar variation 1365930 (VCV001365930.7), dbSNP rs1554513911, ClinGen allele CA368146963.

ClinVar aggregate classification (germline): Pathogenic. Review status: criteria provided, multiple submitters, no conflicts (2 of 4 stars). 2 submissions from 2 submitters: Pathogenic (2). Last evaluated 2025-01-09.

Conditions:
Cerebral cavernous malformation (CCM). Also called: CEREBRAL CAPILLARY MALFORMATIONS; Cavernous Hemangioma of Brain; CAVERNOUS ANGIOMA, FAMILIAL; CAVERNOUS ANGIOMATOUS MALFORMATIONS; Cerebral cavernous hemangioma (type); Cerebral cavernous malformations. Identifiers: Orphanet 221061, MedGen C2919945, MONDO:0000820, OMIM 116860, HP:0033522.

Submissions (2):

GeneDx
Classification: Pathogenic. Last evaluated: 2025-01-09. Review status: criteria provided, single submitter. Criteria: GeneDx Variant Classification Process June 2021. Collection method: clinical testing. Allele origin: germline. Affected: yes.
Comment: Nonsense variant predicted to result in protein truncation or nonsense mediated decay in a gene for which loss of function is a known mechanism of disease; Not observed at significant frequency in large population cohorts (gnomAD); Has not been previously published as pathogenic or benign to our knowledge

Labcorp Genetics (formerly Invitae), Labcorp
Classification: Pathogenic for Cerebral cavernous malformation. Last evaluated: 2021-03-08. Review status: criteria provided, single submitter. Criteria: Invitae Variant Classification Sherloc (09022015). Collection method: clinical testing. Allele origin: germline.
Comment: This variant has not been reported in the literature in individuals with KRIT1-related conditions. For these reasons, this variant has been classified as Pathogenic. This variant is not present in population databases (ExAC no frequency). This sequence change creates a premature translational stop signal (p.Ser467*) in the KRIT1 gene. It is expected to result in an absent or disrupted protein product. Loss-of-function variants in KRIT1 are known to be pathogenic (PMID: 10508515, 11222804, 12404106, 24689081).

Literature cited by the submitters: PubMed 10508515 (cited by Labcorp Genetics (formerly Invitae), Labcorp); PubMed 11222804 (cited by Labcorp Genetics (formerly Invitae), Labcorp); PubMed 12404106 (cited by Labcorp Genetics (formerly Invitae), Labcorp); PubMed 24689081 (cited by Labcorp Genetics (formerly Invitae), Labcorp).